The following is an entry in ClinVar:

GRCh37/hg19 Xp11.4(chrX:38486799-38634614)x3

Gene: TSPAN7 (tetraspanin 7; plus strand). Cytogenetic location: Xp11.4.
Variant type: copy number gain.
Change: copy number 3 of chrX:38,486,799-38,634,614 (147.8 kb, GRCh37 coordinates, 1-based), cytogenetic band Xp11.4.
Identifiers: ClinVar variation 442682 (VCV000442682.3).

ClinVar aggregate classification (germline): conflicting data from submitters (0 of 4 stars; one submission).

Submission:

ISCA site 1
Classification: conflicting data from submitters. Last evaluated: 2014-10-21. Review status: no assertion criteria provided. Collection method: clinical testing. Allele origin: maternal, paternal. Affected: yes. Observed: 2 variant alleles.
Comment: Uncertain significance(1), Likely benign (1)

Copy number variation identified through the course of routine clinical cytogenomic testing in postnatal populations, with clinical assertions as classified by the original submitter. For data from the original published study, Kaminsky, et al. 2011 (PubMed 21844811), please see nstd101.